The following is an entry in ClinVar:

ClinVar aggregate classification (germline): Uncertain significance. Review status: criteria provided, multiple submitters, no conflicts (2 of 4 stars). 2 submissions from 2 submitters: Uncertain significance (2). Last evaluated 2025-04-14.

Conditions:
Congenital factor V deficiency. Also called: LABILE FACTOR DEFICIENCY; OWREN PARAHEMOPHILIA; PARAHEMOPHILIA; Hereditary factor V deficiency disease. Identifiers: Orphanet 326, MedGen C0015499, MONDO:0009210, OMIM 227400.
Inborn genetic diseases. Identifiers: MedGen C0950123, MeSH D030342.

gnomAD v4.1: 74 of 1,611,778 alleles (0.0046%); highest among the groups gnomAD compares: Non-Finnish European, 0.0062%; no homozygotes.

Submissions (2):

Ambry Genetics
Classification: Uncertain significance for Inborn genetic diseases. Last evaluated: 2025-04-14. Review status: criteria provided, single submitter. Criteria: Ambry Variant Classification Scheme 2023. Collection method: clinical testing. Allele origin: germline.

Labcorp Genetics (formerly Invitae), Labcorp
Classification: Uncertain significance for Congenital factor V deficiency. Last evaluated: 2025-01-08. Review status: criteria provided, single submitter. Criteria: Invitae Variant Classification Sherloc (09022015). Collection method: clinical testing. Allele origin: germline.
Comment: This sequence change replaces aspartic acid, which is acidic and polar, with histidine, which is basic and polar, at codon 1607 of the F5 protein (p.Asp1607His). This variant is present in population databases (no rsID available, gnomAD 0.0009%). This variant has not been reported in the literature in individuals affected with F5-related conditions. Invitae Evidence Modeling of protein sequence and biophysical properties (such as structural, functional, and spatial information, amino acid conservation, physicochemical variation, residue mobility, and thermodynamic stability) indicates that this missense variant is not expected to disrupt F5 protein function with a negative predictive value of 95%. In summary, the available evidence is currently insufficient to determine the role of this variant in disease. Therefore, it has been classified as a Variant of Uncertain Significance.

NM_000130.5(F5):c.4819G>C (p.Asp1607His)

Gene: F5 (coagulation factor V; minus strand). Cytogenetic location: 1q24.2.
Variant type: single nucleotide variant.
Coding change: c.4819G>C on transcript NM_000130.5 (MANE Select); coding-DNA position 4819, G replaced by C.
Protein change: p.Asp1607His; replaces aspartic acid 1607 with histidine.
Molecular consequence: missense variant.
Genome position (GRCh38, 1-based): chr1:169,536,658, C>G on the plus strand (G>C on the coding strand, the complement: F5 is on the minus strand). VCF-style: chr1-169536658-C-G. GRCh37 (hg19) VCF-style: chr1-169505896-C-G.
Other names: short protein forms D1607H.
Identifiers: ClinVar variation 3709832 (VCV003709832.2).